The following is an entry in ClinVar:

ClinVar aggregate classification (germline): Pathogenic (1 of 4 stars; one submission).

Conditions:
Cardiac anomalies - developmental delay - facial dysmorphism syndrome (MRFACD). Also called: MED13L Syndrome; Impaired intellectual development and distinctive facial features with or without cardiac defects. Identifiers: Orphanet 369891, MedGen C5192431, MONDO:0014773, OMIM 616789.

Submission:

Institute of Human Genetics, Heidelberg University
Classification: Pathogenic for Cardiac anomalies - developmental delay - facial dysmorphism syndrome. Last evaluated: 2026-06-03. Review status: criteria provided, single submitter. Criteria: ACMG Guidelines, 2015. Collection method: clinical testing. Allele origin: de novo. Affected: yes. Observed: 1 variant allele.
Comment: PVS1, PM2_sup, PS2_sup

NM_015335.5(MED13L):c.4570_4572delinsA (p.Leu1524fs)

Gene: MED13L (mediator complex subunit 13L; minus strand). Cytogenetic location: 12q24.21.
Variant type: Indel.
Coding change: c.4570_4572delinsA on transcript NM_015335.5 (MANE Select); coding-DNA positions 4570 to 4572, TTG replaced by A.
Protein change: p.Leu1524fs; shifts the reading frame from leucine 1524.
Molecular consequence: frameshift variant.
Genome position (GRCh38, 1-based): chr12:115,983,500-115,983,502, CAA replaced by T on the plus strand (TTG replaced by A on the coding strand, the reverse complement: MED13L is on the minus strand). VCF-style: chr12-115983500-CAA-T. GRCh37 (hg19) VCF-style: chr12-116421305-CAA-T.
Other names: short protein forms L1524fs.
Identifiers: ClinVar variation 4884433 (VCV004884433.1).